The following is an entry in ClinVar:

NM_014679.5(CEP57):c.1045A>C (p.Thr349Pro)

Gene: CEP57 (centrosomal protein 57; plus strand). Cytogenetic location: 11q21.
Variant type: single nucleotide variant.
Coding change: c.1045A>C on transcript NM_014679.5 (MANE Select); coding-DNA position 1045, A replaced by C.
Protein change: p.Thr349Pro; replaces threonine 349 with proline.
Molecular consequence: missense variant.
Genome position (GRCh38, 1-based): chr11:95,827,945, A>C. VCF-style: chr11-95827945-A-C. GRCh37 (hg19) VCF-style: chr11-95561109-A-C.
Other names: c.1018A>C, p.Thr340Pro (NM_001243776.2); c.967A>C, p.Thr323Pro (NM_001243777.2); c.964A>C, p.Thr322Pro (NM_001363604.2); short protein forms T322P, T323P, T349P, T340P.
Identifiers: ClinVar variation 958761 (VCV000958761.10), dbSNP rs759919170, ClinGen allele CA6239669.

ClinVar aggregate classification (germline): Uncertain significance. Review status: criteria provided, multiple submitters, no conflicts (2 of 4 stars). 2 submissions from 2 submitters: Uncertain significance (2). Last evaluated 2025-05-16.

Conditions:
Inborn genetic diseases. Identifiers: MedGen C0950123, MeSH D030342.
Mosaic variegated aneuploidy syndrome 2 (MVA2). Identifiers: Orphanet 1052, MedGen C3279843, MONDO:0013582, OMIM 614114.

Allele frequency attached by ClinVar (database versions not stated): gnomAD exomes below 0.00001; TOPMed below 0.00001; ExAC 0.00001.
gnomAD v4.1: 3 of 1,614,040 alleles (0.00019%); no homozygotes.

Submissions (2):

Ambry Genetics
Classification: Uncertain significance for Inborn genetic diseases. Last evaluated: 2025-05-16. Review status: criteria provided, single submitter. Criteria: Ambry Variant Classification Scheme 2023. Collection method: clinical testing. Allele origin: germline.
Comment: The p.T349P variant (also known as c.1045A>C), located in coding exon 9 of the CEP57 gene, results from an A to C substitution at nucleotide position 1045. The threonine at codon 349 is replaced by proline, an amino acid with highly similar properties. This amino acid position is conserved. In addition, this alteration is predicted to be tolerated by in silico analysis. Based on the available evidence, the clinical significance of this variant remains unclear.

Labcorp Genetics (formerly Invitae), Labcorp
Classification: Uncertain significance for Mosaic variegated aneuploidy syndrome 2. Last evaluated: 2019-08-24. Review status: criteria provided, single submitter. Criteria: Invitae Variant Classification Sherloc (09022015). Collection method: clinical testing. Allele origin: germline.
Comment: In summary, the available evidence is currently insufficient to determine the role of this variant in disease. Therefore, it has been classified as a Variant of Uncertain Significance. Algorithms developed to predict the effect of missense changes on protein structure and function (SIFT, PolyPhen-2, Align-GVGD) all suggest that this variant is likely to be tolerated, but these predictions have not been confirmed by published functional studies and their clinical significance is uncertain. This variant has not been reported in the literature in individuals with CEP57-related conditions. This variant is present in population databases (rs759919170, ExAC 0.001%). This sequence change replaces threonine with proline at codon 349 of the CEP57 protein (p.Thr349Pro). The threonine residue is weakly conserved and there is a small physicochemical difference between threonine and proline.